The following is an entry in ClinVar:

NM_183357.3(ADCY5):c.1014C>G (p.Thr338=)

Gene: ADCY5 (adenylate cyclase 5; minus strand). Cytogenetic location: 3q21.1.
Variant type: single nucleotide variant.
Coding change: c.1014C>G on transcript NM_183357.3 (MANE Select); coding-DNA position 1014, C replaced by G.
Protein change: p.Thr338=; no amino-acid change (threonine 338 retained).
Molecular consequence: synonymous variant.
Genome position (GRCh38, 1-based): chr3:123,447,532, G>C on the plus strand (C>G on the coding strand, the complement: ADCY5 is on the minus strand). VCF-style: chr3-123447532-G-C. GRCh37 (hg19) VCF-style: chr3-123166379-G-C.
Other names: c.1014C>G, p.Thr338= (NM_001378259.1).
Identifiers: ClinVar variation 3058303 (VCV003058303.2), dbSNP rs922857143, ClinGen allele CA82635488.
Genomic context (GRCh38, chr3:123,447,532, plus strand): 5'-GGACAGGAGCACCCCGCTGAGCACTGCGGCCCGCATGCGCACGGGCAGCAGCGTGTAGAT[G>C]GTGTAGATGAAGAACACGGTCCACCAGATGCCCTCAGAGGCGCTGCGTGGCTGCGGCAGC-3'
Protein context (NP_899200.1, residues 328-348): GIWWTVFFIY[Thr338=]IYTLLPVRMR

ClinVar aggregate classification (germline): Likely benign (0 of 4 stars; one submission).

Conditions:
ADCY5-related disorder. Also called: ADCY5-related condition.

Allele frequency attached by ClinVar (database versions not stated): gnomAD exomes below 0.00001; gnomAD 0.00001; TOPMed 0.00003.
gnomAD v4.1: 6 of 1,610,508 alleles (0.00037%); highest among the groups gnomAD compares: African/African-American, 0.0027%; no homozygotes.

Submission:

PreventionGenetics, part of Exact Sciences
Classification: Likely benign for ADCY5-related condition. Last evaluated: 2019-04-04. Review status: no assertion criteria provided. Collection method: clinical testing. Allele origin: germline.
Comment: This variant is classified as likely benign based on ACMG/AMP sequence variant interpretation guidelines (Richards et al. 2015 PMID: 25741868, with internal and published modifications).